The following is an entry in ClinVar:

ClinVar aggregate classification (germline): Uncertain significance. Review status: criteria provided, multiple submitters, no conflicts (2 of 4 stars). 2 submissions from 2 submitters: Uncertain significance (2). Last evaluated 2024-10-08.

Conditions:
Ehlers-Danlos syndrome, kyphoscoliotic type 1 (EDSKSCL1). Also called: PLOD1-Related Kyphoscoliotic Ehlers-Danlos Syndrome; Ehlers-Danlos syndrome, hydroxylysine-deficient; EHLERS-DANLOS SYNDROME, OCULAR-SCOLIOTIC TYPE; EHLERS-DANLOS SYNDROME, TYPE VIA. Identifiers: Orphanet 1900, MedGen C0268342, MONDO:0016002, OMIM 225400. Disease mechanism: loss of function.
Familial thoracic aortic aneurysm and aortic dissection (TAAD). Also called: Thoracic aortic aneurysms and dissections. Identifiers: Orphanet 91387, MedGen C4707243, MONDO:0019625.

Allele frequency attached by ClinVar (database versions not stated): gnomAD exomes 0.00001.
gnomAD v4.1: 7 of 1,613,304 alleles (0.00043%); highest among the groups gnomAD compares: Non-Finnish European, 0.00059%; no homozygotes.

Submissions (2):

Ambry Genetics
Classification: Uncertain significance for Familial thoracic aortic aneurysm and aortic dissection. Last evaluated: 2024-10-08. Review status: criteria provided, single submitter. Criteria: Ambry Variant Classification Scheme 2023. Collection method: clinical testing. Allele origin: germline.

Labcorp Genetics (formerly Invitae), Labcorp
Classification: Uncertain significance for Ehlers-Danlos syndrome, kyphoscoliotic type 1. Last evaluated: 2021-12-21. Review status: criteria provided, single submitter. Criteria: Invitae Variant Classification Sherloc (09022015). Collection method: clinical testing. Allele origin: germline.
Comment: This sequence change replaces glutamic acid, which is acidic and polar, with glycine, which is neutral and non-polar, at codon 594 of the PLOD1 protein (p.Glu594Gly). This variant is present in population databases (no rsID available, gnomAD 0.0009%). This variant has not been reported in the literature in individuals affected with PLOD1-related conditions. Algorithms developed to predict the effect of missense changes on protein structure and function are either unavailable or do not agree on the potential impact of this missense change (SIFT: "Deleterious"; PolyPhen-2: "Possibly Damaging"; Align-GVGD: "Class C0"). In summary, the available evidence is currently insufficient to determine the role of this variant in disease. Therefore, it has been classified as a Variant of Uncertain Significance.

NM_000302.4(PLOD1):c.1781A>G (p.Glu594Gly)

Gene: PLOD1 (procollagen-lysine,2-oxoglutarate 5-dioxygenase 1; plus strand). Cytogenetic location: 1p36.22.
Variant type: single nucleotide variant.
Coding change: c.1781A>G on transcript NM_000302.4 (MANE Select); coding-DNA position 1781, A replaced by G.
Protein change: p.Glu594Gly; replaces glutamic acid 594 with glycine.
Molecular consequence: missense variant.
Genome position (GRCh38, 1-based): chr1:11,970,695, A>G. VCF-style: chr1-11970695-A-G. GRCh37 (hg19) VCF-style: chr1-12030752-A-G.
Other names: c.1922A>G, p.Glu641Gly (NM_001316320.2); c.1781A>G (NM_000302.3); short protein forms E641G, E594G.
Identifiers: ClinVar variation 2051239 (VCV002051239.2), dbSNP rs923873033, ClinGen allele CA18018407.